The following is an entry in ClinVar:

NM_015158.5(KANK1):c.3689C>G (p.Ala1230Gly)

Gene: KANK1 (KN motif and ankyrin repeat domains 1; plus strand). Cytogenetic location: 9p24.3.
Variant type: single nucleotide variant.
Coding change: c.3689C>G on transcript NM_015158.5 (MANE Select); coding-DNA position 3689, C replaced by G.
Protein change: p.Ala1230Gly; replaces alanine 1230 with glycine.
Molecular consequence: missense variant. On other transcripts: non-coding transcript variant (1).
Genome position (GRCh38, 1-based): chr9:740,927, C>G. VCF-style: chr9-740927-C-G. GRCh37 (hg19) VCF-style: chr9-740927-C-G.
Other names: c.3689C>G, p.Ala1230Gly (NM_001256876.3, NM_001256877.3, NM_001354334.2); c.3449C>G, p.Ala1150Gly (NM_001354331.2); c.3635C>G, p.Ala1212Gly (NM_001354332.2); c.3215C>G, p.Ala1072Gly (NM_001354333.2, NM_001354335.2, NM_001354337.2 and 2 more transcripts); c.2921C>G, p.Ala974Gly (NM_001354336.2); c.3161C>G, p.Ala1054Gly (NM_001354338.2, NM_001354340.2, NM_001354344.2); c.2975C>G, p.Ala992Gly (NM_001354339.2, NM_001354342.2, NM_001354343.2); short protein forms A992G, A1054G, A1072G, A1150G, A1230G, A1212G, A974G.
Identifiers: ClinVar variation 1371246 (VCV001371246.8), dbSNP rs917174389, ClinGen allele CA187801428.

ClinVar aggregate classification (germline): Uncertain significance (1 of 4 stars; one submission).

Allele frequency attached by ClinVar (database versions not stated): gnomAD 0.00003; TOPMed 0.00005.
gnomAD v4.1: 5 of 1,614,050 alleles (0.00031%); highest among the groups gnomAD compares: Admixed American, 0.0083%; no homozygotes.

Submission:

Labcorp Genetics (formerly Invitae), Labcorp
Classification: Uncertain significance. Last evaluated: 2025-05-05. Review status: criteria provided, single submitter. Criteria: Invitae Variant Classification Sherloc (09022015). Collection method: clinical testing. Allele origin: germline.
Comment: This sequence change replaces alanine, which is neutral and non-polar, with glycine, which is neutral and non-polar, at codon 1230 of the KANK1 protein (p.Ala1230Gly). This variant is not present in population databases (gnomAD no frequency). This variant has not been reported in the literature in individuals affected with KANK1-related conditions. ClinVar contains an entry for this variant (Variation ID: 1371246). An algorithm developed to predict the effect of missense changes on protein structure and function (PolyPhen-2) suggests that this variant is likely to be disruptive. In summary, the available evidence is currently insufficient to determine the role of this variant in disease. Therefore, it has been classified as a Variant of Uncertain Significance.